The following is an entry in ClinVar:

ClinVar aggregate classification (germline): Uncertain significance. Review status: criteria provided, single submitter (1 of 4 stars). 2 submissions from 2 submitters: Uncertain significance (1). 1 of the submissions does not count toward it. Last evaluated 2018-03-02.

Conditions:
EHHADH-related disorder. Also called: EHHADH-related condition.

Allele frequency attached by ClinVar (database versions not stated): gnomAD exomes 0.00004 and 0.00009; ExAC 0.00009; ESP Exome Variant Server 0.00031; gnomAD 0.00044 and 0.00049; TOPMed 0.00045.
gnomAD v4.1: 118 of 1,601,268 alleles (0.0074%); highest among the groups gnomAD compares: African/African-American, 0.12%; no homozygotes.

Submissions (2):

Eurofins Ntd Llc (ga)
Classification: Uncertain significance. Last evaluated: 2018-03-02. Review status: criteria provided, single submitter. Criteria: EGL ClinVar v180209 classification definitions. Collection method: clinical testing. Allele origin: germline. Observed: 1 variant allele, 1 heterozygote.

PreventionGenetics, part of Exact Sciences
Classification: Likely benign for EHHADH-related condition. Last evaluated: 2021-09-11. Review status: no assertion criteria provided. Collection method: clinical testing. Allele origin: germline. Not counted in ClinVar's aggregate classification.
Comment: This variant is classified as likely benign based on ACMG/AMP sequence variant interpretation guidelines (Richards et al. 2015 PMID: 25741868, with internal and published modifications).

NM_001966.4(EHHADH):c.78G>A (p.Thr26=)

Gene: EHHADH (enoyl-CoA hydratase and 3-hydroxyacyl CoA dehydrogenase; minus strand). Cytogenetic location: 3q27.2.
Variant type: single nucleotide variant.
Coding change: c.78G>A on transcript NM_001966.4 (MANE Select); coding-DNA position 78, G replaced by A.
Protein change: p.Thr26=; no amino-acid change (threonine 26 retained).
Molecular consequence: synonymous variant. On other transcripts: 5 prime UTR variant (1).
Genome position (GRCh38, 1-based): chr3:185,248,514, C>T on the plus strand (G>A on the coding strand, the complement: EHHADH is on the minus strand). VCF-style: chr3-185248514-C-T. GRCh37 (hg19) VCF-style: chr3-184966302-C-T.
Other names: c.-211G>A (NM_001166415.2); c.78G>A (NM_001966.3).
Identifiers: ClinVar variation 596337 (VCV000596337.7), dbSNP rs150381945, ClinGen allele CA2739326.
Genomic context (GRCh38, chr3:185,248,514, plus strand): 5'-TTTTATTGTATGGTCTATTACAGCTTTCTGTAGTCCTTCTTTTATGTCACGGAGTAAAGT[C>T]GTACTAAAAGAAAACAAAATACATGAAGTAAATCAGTCAGAATTAAATTCCTACCATTCA-3'
Protein context (NP_001957.2, residues 16-36): LRNPPVNAIS[Thr26=]TLLRDIKEGL